The following is an entry in ClinVar:

NM_018012.4(KIF26B):c.2286G>A (p.Arg762=)

Gene: KIF26B (kinesin family member 26B; plus strand). Cytogenetic location: 1q44.
Variant type: single nucleotide variant.
Coding change: c.2286G>A on transcript NM_018012.4 (MANE Select); coding-DNA position 2286, G replaced by A.
Protein change: p.Arg762=; no amino-acid change (arginine 762 retained).
Molecular consequence: synonymous variant.
Genome position (GRCh38, 1-based): chr1:245,684,260, G>A. VCF-style: chr1-245684260-G-A. GRCh37 (hg19) VCF-style: chr1-245847562-G-A.
Identifiers: ClinVar variation 2640230 (VCV002640230.24), dbSNP rs2527622907, ClinGen allele CA424124724.

ClinVar aggregate classification (germline): Likely benign (1 of 4 stars; one submission).

Allele frequency attached by ClinVar (database versions not stated): gnomAD exomes below 0.00001.
gnomAD v4.1: 3 of 1,613,718 alleles (0.00019%); highest among the groups gnomAD compares: Middle Eastern, 0.017%; no homozygotes.

Submission:

CeGaT Center for Human Genetics Tuebingen
Classification: Likely benign. Last evaluated: 2023-02-01. Review status: criteria provided, single submitter. Criteria: CeGaT Center For Human Genetics Tuebingen Variant Classification Criteria Version 2. Collection method: clinical testing. Allele origin: germline. Affected: yes. Observed: 1 variant allele.
Comment: KIF26B: PM2:Supporting, BP4, BP7